The following is an entry in ClinVar:

NM_000302.4(PLOD1):c.461C>T (p.Ser154Phe)

Gene: PLOD1 (procollagen-lysine,2-oxoglutarate 5-dioxygenase 1; plus strand). Cytogenetic location: 1p36.22.
Variant type: single nucleotide variant.
Coding change: c.461C>T on transcript NM_000302.4 (MANE Select); coding-DNA position 461, C replaced by T.
Protein change: p.Ser154Phe; replaces serine 154 with phenylalanine.
Molecular consequence: missense variant.
Genome position (GRCh38, 1-based): chr1:11,950,515, C>T. VCF-style: chr1-11950515-C-T. GRCh37 (hg19) VCF-style: chr1-12010572-C-T.
Other names: c.602C>T, p.Ser201Phe (NM_001316320.2); short protein forms S154F, S201F.
Identifiers: ClinVar variation 3231135 (VCV003231135.1), dbSNP rs769958284, ClinGen allele CA597901.

ClinVar aggregate classification (germline): Uncertain significance (1 of 4 stars; one submission).

Conditions:
Familial thoracic aortic aneurysm and aortic dissection (TAAD). Also called: Thoracic aortic aneurysms and dissections. Identifiers: Orphanet 91387, MedGen C4707243, MONDO:0019625.

Allele frequency attached by ClinVar (database versions not stated): gnomAD exomes below 0.00001; TOPMed below 0.00001; ExAC 0.00001.
gnomAD v4.1: 4 of 1,613,964 alleles (0.00025%); no homozygotes.

Submission:

Ambry Genetics
Classification: Uncertain significance for Familial thoracic aortic aneurysm and aortic dissection. Last evaluated: 2023-12-30. Review status: criteria provided, single submitter. Criteria: Ambry Variant Classification Scheme 2023. Collection method: clinical testing. Allele origin: germline.
Comment: The p.S154F variant (also known as c.461C>T), located in coding exon 4 of the PLOD1 gene, results from a C to T substitution at nucleotide position 461. The serine at codon 154 is replaced by phenylalanine, an amino acid with highly dissimilar properties. This amino acid position is conserved. In addition, this alteration is predicted to be deleterious by in silico analysis. Since supporting evidence is limited at this time, the clinical significance of this alteration remains unclear.